The following is an entry in ClinVar:

ClinVar aggregate classification (germline): Uncertain significance (1 of 4 stars; one submission).

Submission:

Ambry Genetics
Classification: Uncertain significance. Last evaluated: 2023-12-02. Review status: criteria provided, single submitter. Criteria: Ambry Variant Classification Scheme 2023. Collection method: clinical testing. Allele origin: germline.
Comment: The p.T1234S variant (also known as c.3700A>T), located in coding exon 16 of the POLQ gene, results from an A to T substitution at nucleotide position 3700. The threonine at codon 1234 is replaced by serine, an amino acid with similar properties. This amino acid position is conserved. In addition, this alteration is predicted to be tolerated by in silico analysis. Since supporting evidence is limited at this time, the clinical significance of this alteration remains unclear.

NM_199420.4(POLQ):c.3700A>T (p.Thr1234Ser)

Gene: POLQ (DNA polymerase theta; minus strand). Cytogenetic location: 3q13.33.
Variant type: single nucleotide variant.
Coding change: c.3700A>T on transcript NM_199420.4 (MANE Select); coding-DNA position 3700, A replaced by T.
Protein change: p.Thr1234Ser; replaces threonine 1234 with serine.
Molecular consequence: missense variant.
Genome position (GRCh38, 1-based): chr3:121,489,231, T>A on the plus strand (A>T on the coding strand, the complement: POLQ is on the minus strand). VCF-style: chr3-121489231-T-A. GRCh37 (hg19) VCF-style: chr3-121208078-T-A.
Other names: short protein forms T1234S.
Identifiers: ClinVar variation 3229956 (VCV003229956.1), dbSNP rs2546787060, ClinGen allele CA354097920.